The following is an entry in ClinVar:

ClinVar aggregate classification (germline): Likely pathogenic (1 of 4 stars; one submission).

Conditions:
DNAH5-related disorder. Also called: DNAH5-related condition.

Submission:

PreventionGenetics, part of Exact Sciences
Classification: Likely pathogenic for DNAH5-related condition. Last evaluated: 2025-05-15. Review status: criteria provided, single submitter. Criteria: ACMG Guidelines, 2015. Collection method: clinical testing. Allele origin: germline.
Comment: The DNAH5 c.239_240delTC variant is predicted to result in a frameshift and premature protein termination (p.Leu80Hisfs*29). To our knowledge, this variant has not been reported in the literature or in a large population database (gnomAD), indicating this variant is rare. Frameshift variants in DNAH5 are expected to be pathogenic. This variant is interpreted as likely pathogenic.

NM_001369.3(DNAH5):c.239_240del (p.Leu80fs)

Gene: DNAH5 (dynein axonemal heavy chain 5; minus strand). Cytogenetic location: 5p15.2.
Variant type: Deletion.
Coding change: c.239_240del on transcript NM_001369.3 (MANE Select); coding-DNA positions 239 to 240, 2 bases deleted (TC; older notation c.239_240delTC).
Protein change: p.Leu80fs; shifts the reading frame from leucine 80.
Molecular consequence: frameshift variant.
Genome position (GRCh38, 1-based): chr5:13,928,131-13,928,132, GA deleted on the plus strand (TC on the coding strand, the reverse complement: DNAH5 is on the minus strand); deleting any 2 consecutive bases within chr5:13,928,131-13,928,133 gives the same sequence; the c. name uses the placement nearest the transcript's 3' end. VCF-style (leftmost placement, unchanged base first): chr5-13928130-TGA-T. GRCh37 (hg19) VCF-style: chr5-13928239-TGA-T.
Other names: short protein forms L80fs.
Identifiers: ClinVar variation 5000956 (VCV005000956.1).